The following is an entry in ClinVar:

ClinVar aggregate classification (germline): Uncertain significance (1 of 4 stars; one submission).

Conditions:
Immunodeficiency, common variable, 10. Also called: IMMUNODEFICIENCY, COMMON VARIABLE, WITH CENTRAL ADRENAL INSUFFICIENCY; DEFICIT IN ANTERIOR PITUITARY FUNCTION AND VARIABLE IMMUNODEFICIENCY. Identifiers: MedGen C3809991, MONDO:0014260, OMIM 615577.

Submission:

Labcorp Genetics (formerly Invitae), Labcorp
Classification: Uncertain significance for Immunodeficiency, common variable, 10. Last evaluated: 2024-02-24. Review status: criteria provided, single submitter. Criteria: Invitae Variant Classification Sherloc (09022015). Collection method: clinical testing. Allele origin: germline.
Comment: This sequence change falls in intron 11 of the NFKB2 gene. It does not directly change the encoded amino acid sequence of the NFKB2 protein. It affects a nucleotide within the consensus splice site. This variant is present in population databases (no rsID available, gnomAD 0.007%). This variant has not been reported in the literature in individuals affected with NFKB2-related conditions. ClinVar contains an entry for this variant (Variation ID: 657793). Variants that disrupt the consensus splice site are a relatively common cause of aberrant splicing (PMID: 17576681, 9536098). Algorithms developed to predict the effect of sequence changes on RNA splicing suggest that this variant is not likely to affect RNA splicing. In summary, the available evidence is currently insufficient to determine the role of this variant in disease. Therefore, it has been classified as a Variant of Uncertain Significance.

Literature cited by the submitters: PubMed 17576681; PubMed 9536098.

NM_001322934.2(NFKB2):c.992-3del

Gene: NFKB2 (nuclear factor kappa B subunit 2; plus strand). Cytogenetic location: 10q24.32.
Variant type: Deletion.
Coding change: c.992-3del on transcript NM_001322934.2 (MANE Select); 3 bases into the intron before coding-DNA position 992, one base deleted (C; older notation c.992-3delC).
Molecular consequence: intron variant.
Genome position (GRCh38, 1-based): chr10:102,398,736, C deleted; the last of 5 consecutive C bases (chr10:102,398,732-102,398,736); deleting any one gives the same sequence. VCF-style (leftmost placement, unchanged base first): chr10-102398731-GC-G. GRCh37 (hg19) VCF-style: chr10-104158488-GC-G.
Other names: c.992-3del (NM_001288724.1, NM_001077494.3, NM_001261403.3 and 1 more transcripts); c.991+213del (NM_001322935.1); c.992-3delC (NM_001077494.3).
Identifiers: ClinVar variation 657793 (VCV000657793.8), dbSNP rs1589863240, ClinGen allele CA595635983.